The following is an entry in ClinVar:

NM_012064.4(MIP):c.490G>A (p.Val164Ile)

Gene: MIP (major intrinsic protein of lens fiber; minus strand). Cytogenetic location: 12q13.3.
Variant type: single nucleotide variant.
Coding change: c.490G>A on transcript NM_012064.4 (MANE Select); coding-DNA position 490, G replaced by A.
Protein change: p.Val164Ile; replaces valine 164 with isoleucine.
Molecular consequence: missense variant.
Genome position (GRCh38, 1-based): chr12:56,453,626, C>T on the plus strand (G>A on the coding strand, the complement: MIP is on the minus strand). VCF-style: chr12-56453626-C-T. GRCh37 (hg19) VCF-style: chr12-56847410-C-T.
Other names: short protein forms V164I.
Identifiers: ClinVar variation 883924 (VCV000883924.6), dbSNP rs149279854, ClinGen allele CA6632562.
Genomic context (GRCh38, chr12:56,453,626, plus strand): 5'-AGAAGTTGCTCTCCTTCCTGCTTACCCCAAAGAGGTGCCCCAGGGCAAGGGAGAAGCCAA[C>T]GGCCAGGGCCACGGAGCCCAGTTGGCCATTCCGCCTCTCGTCGTATGTGGCAAAGATGCA-3'
Protein context (NP_036196.1, residues 154-174): NGQLGSVALA[Val164Ile]GFSLALGHLF

ClinVar aggregate classification (germline): Likely benign. Review status: criteria provided, single submitter (1 of 4 stars). 2 submissions from 2 submitters: Likely benign (1). 1 of the submissions does not count toward it. Last evaluated 2018-01-13.

Conditions:
Developmental cataract. Also called: Congenital cataract; Congenital cataracts; Bilateral cataracts. Identifiers: MedGen C0009691, HP:0000519.
Cataract 15 multiple types. Also called: CATARACT 15, LAMELLAR WITH SUTURAL OPACITIES. Identifiers: Orphanet 91492, MedGen C3809001, MONDO:0014110, OMIM 615274.

Allele frequency attached by ClinVar (database versions not stated): ExAC 0.00006; gnomAD exomes 0.00007 and 0.00023; gnomAD 0.00011; TOPMed 0.00012; ESP Exome Variant Server 0.00023.
gnomAD v4.1: 348 of 1,614,136 alleles (0.022%); highest among the groups gnomAD compares: Non-Finnish European, 0.028%; no homozygotes.

Submissions (2):

Illumina Laboratory Services, Illumina
Classification: Likely benign for Cataract 15 multiple types. Last evaluated: 2018-01-13. Review status: criteria provided, single submitter. Criteria: ICSL Variant Classification Criteria 13 December 2019. Collection method: clinical testing. Allele origin: germline.
Comment: This variant was observed in the ICSL laboratory as part of a predisposition screen in an ostensibly healthy population. It had not been previously curated by ICSL or reported in the Human Gene Mutation Database (HGMD: prior to June 1st, 2018), and was therefore a candidate for classification through an automated scoring system. Utilizing variant allele frequency, disease prevalence and penetrance estimates, and inheritance mode, an automated score was calculated to assess if this variant is too frequent to cause the disease. Based on the score and internal cut-off values, a variant classified as likely benign is not then subjected to further curation. The score for this variant resulted in a classification of likely benign for this disease.

Dept. Genetics and Cancer, Menzies Institute for Medical Research, University of Tasmania
Classification: Uncertain significance for Developmental cataract. Last evaluated: 2021-05-01. Review status: no assertion criteria provided. Criteria: ACMG Guidelines, 2015. Collection method: research. Allele origin: germline. Affected: yes. Not counted in ClinVar's aggregate classification.
Comment: PM2. Variant observed at a low rate in population data. BP4. Multiple predictive tools assess amino acid change as non-damaging.